The following is an entry in ClinVar:

ClinVar aggregate classification (germline): Pathogenic (1 of 4 stars; one submission).

Conditions:
Severe myoclonic epilepsy in infancy (DRVT). Also called: Epileptic encephalopathy, early infantile, 6 (Dravet syndrome); SEVERE MYOCLONIC EPILEPSY OF INFANCY; DEVELOPMENTAL AND EPILEPTIC ENCEPHALOPATHY 6A; Severe Myoclonic Epilepsy in Infancy (SMEI); Dravet syndrome. Identifiers: Orphanet 33069, MedGen C0751122, MONDO:0100135, OMIM 607208.

Submissions (2):

Center for Bioinformatics, Peking University
Classification: Pathogenic for Dravet syndrome. Last evaluated: 2014-12-20. Review status: criteria provided, single submitter. Criteria: Xu et al. (Hum Mutat. 2015). Collection method: research. Allele origin: de novo. Affected: yes. Observed: 1 variant allele. Study: University Clinical Cooperation “985 Project” PKU-2014-1-1.
Comment: Dravet syndrome (DS) probands were recruited from the outpatient and inpatient child neurology units of Peking University First Hospital from 2005 till present. The study was approved by the Ethics Committee of Peking University First Hospital and the Institutional Review Board at Peking University. Participants or their parents provided written informed consent before enrollment. We collected a total of 267 mutations from 255 families with probands diagnosed with DS in China. All probands fulfilled the clinical diagnostic criteria.

Channelopathy-Associated Epilepsy Research Center
No classification provided (evidence only). Condition: Severe myoclonic epilepsy in infancy. Review status: no classification provided. Collection method: literature only. Allele origin: not applicable. Functional consequence: Normal peak current, Severe hyperpolarizing shift of voltage dependence of activation, Increase in slope of activation, Severe hyperpolarizing shift of voltage dependence of fast inactivation, Normal slope of fast inactivation, Normal persistent current, Mild-moderate slowing of recovery from fast inactivation, Overall mixed or unclear functional effect with respect to biophysical channel activity. Not counted in ClinVar's aggregate classification.
ClinVar note: "not provided" was previously submitted as the classification for the variant. However, the classification appeared to be based only on an observation of functional data so it was converted to no classification on 2025-07-30.

Literature cited by the submitters: PubMed 32581296 (cited by Channelopathy-Associated Epilepsy Research Center).

NM_001165963.4(SCN1A):c.747T>G (p.Asp249Glu)

Gene: SCN1A (sodium voltage-gated channel alpha subunit 1; minus strand). Cytogenetic location: 2q24.3.
Variant type: single nucleotide variant.
Coding change: c.747T>G on transcript NM_001165963.4 (MANE Select); coding-DNA position 747, T replaced by G.
Protein change: p.Asp249Glu; replaces aspartic acid 249 with glutamic acid.
Molecular consequence: missense variant. On other transcripts: 5 prime UTR variant (1), non-coding transcript variant (1).
Genome position (GRCh38, 1-based): chr2:166,051,936, A>C on the plus strand (T>G on the coding strand, the complement: SCN1A is on the minus strand). VCF-style: chr2-166051936-A-C. GRCh37 (hg19) VCF-style: chr2-166908446-A-C.
Other names: c.747T>G, p.Asp249Glu (NM_001165964.3, NM_001202435.3, NM_001353948.2 and 10 more transcripts); c.-1679T>G (NM_001353961.2); short protein forms D249E.
Identifiers: ClinVar variation 189982 (VCV000189982.3), dbSNP rs773407463, ClinGen allele CA303474.